The following is an entry in ClinVar:

NM_001105206.3(LAMA4):c.2174-2del

Gene: LAMA4 (laminin subunit alpha 4; minus strand). Cytogenetic location: 6q21.
Variant type: Deletion.
Coding change: c.2174-2del on transcript NM_001105206.3 (MANE Select); the canonical splice acceptor site of the intron before coding-DNA position 2174, one base deleted (A; older notation c.2174-2delA).
Molecular consequence: splice acceptor variant.
Genome position (GRCh38, 1-based): chr6:112,148,338, T deleted on the plus strand (A on the coding strand, the reverse complement: LAMA4 is on the minus strand); the first of 3 consecutive T bases (chr6:112,148,338-112,148,340); deleting any one gives the same sequence. VCF-style (leftmost placement, unchanged base first): chr6-112148337-CT-C. GRCh37 (hg19) VCF-style: chr6-112469539-CT-C.
Other names: c.2153-2del (NM_002290.5, NM_001105207.3).
Identifiers: ClinVar variation 4737242 (VCV004737242.1).

ClinVar aggregate classification (germline): Uncertain significance (1 of 4 stars; one submission).

Conditions:
Dilated cardiomyopathy 1JJ (CMD1JJ). Identifiers: Orphanet 154, MedGen C3808935, MONDO:0014095, OMIM 615235.

Submission:

Labcorp Genetics (formerly Invitae), Labcorp
Classification: Uncertain significance for Dilated cardiomyopathy 1JJ. Last evaluated: 2025-12-21. Review status: criteria provided, single submitter. Criteria: Invitae Variant Classification Sherloc (09022015). Collection method: clinical testing. Allele origin: germline.
Comment: This sequence change falls in intron 17 of the LAMA4 gene. It does not directly change the encoded amino acid sequence of the LAMA4 protein. This variant is not present in population databases (gnomAD no frequency). This variant has not been reported in the literature in individuals affected with LAMA4-related conditions. In summary, the available evidence is currently insufficient to determine the role of this variant in disease. Therefore, it has been classified as a Variant of Uncertain Significance.